The following is an entry in ClinVar:

NM_003072.5(SMARCA4):c.910C>G (p.Pro304Ala)

Gene: SMARCA4 (SWI/SNF related BAF chromatin remodeling complex subunit ATPase 4; plus strand). Cytogenetic location: 19p13.2.
Variant type: single nucleotide variant.
Coding change: c.910C>G on transcript NM_003072.5 (MANE Select); coding-DNA position 910, C replaced by G.
Protein change: p.Pro304Ala; replaces proline 304 with alanine.
Molecular consequence: missense variant. On other transcripts: non-coding transcript variant (1).
Genome position (GRCh38, 1-based): chr19:10,987,716, C>G. VCF-style: chr19-10987716-C-G. GRCh37 (hg19) VCF-style: chr19-11098392-C-G.
Other names: c.910C>G, p.Pro304Ala (NM_001128844.3, NM_001128845.2, NM_001128846.2 and 5 more transcripts); short protein forms P304A.
Identifiers: ClinVar variation 1486961 (VCV001486961.8), dbSNP rs745462998, ClinGen allele CA404058444.

ClinVar aggregate classification (germline): Uncertain significance (1 of 4 stars; one submission).

Conditions:
Rhabdoid tumor predisposition syndrome 2 (RTPS2). Identifiers: Orphanet 231108, Orphanet 69077, MedGen C2750074, MONDO:0013224, OMIM 613325.

Submission:

Labcorp Genetics (formerly Invitae), Labcorp
Classification: Uncertain significance for Rhabdoid tumor predisposition syndrome 2. Last evaluated: 2025-02-26. Review status: criteria provided, single submitter. Criteria: Invitae Variant Classification Sherloc (09022015). Collection method: clinical testing. Allele origin: germline.
Comment: This sequence change replaces proline, which is neutral and non-polar, with alanine, which is neutral and non-polar, at codon 304 of the SMARCA4 protein (p.Pro304Ala). This variant is not present in population databases (gnomAD no frequency). This variant has not been reported in the literature in individuals affected with SMARCA4-related conditions. ClinVar contains an entry for this variant (Variation ID: 1486961). Invitae Evidence Modeling of protein sequence and biophysical properties (such as structural, functional, and spatial information, amino acid conservation, physicochemical variation, residue mobility, and thermodynamic stability) indicates that this missense variant is not expected to disrupt SMARCA4 protein function with a negative predictive value of 95%. In summary, the available evidence is currently insufficient to determine the role of this variant in disease. Therefore, it has been classified as a Variant of Uncertain Significance.